The following is an entry in ClinVar:

ClinVar aggregate classification (germline): Uncertain significance (1 of 4 stars; one submission).

Allele frequency attached by ClinVar (database versions not stated): gnomAD exomes below 0.00001; TOPMed below 0.00001.
gnomAD v4.1: 1 of 1,614,080 alleles (0.000062%); highest among the groups gnomAD compares: Non-Finnish European, 0.000085%; no homozygotes.

Submission:

Labcorp Genetics (formerly Invitae), Labcorp
Classification: Uncertain significance. Last evaluated: 2023-07-17. Review status: criteria provided, single submitter. Criteria: Invitae Variant Classification Sherloc (09022015). Collection method: clinical testing. Allele origin: germline.
Comment: This sequence change replaces isoleucine, which is neutral and non-polar, with threonine, which is neutral and polar, at codon 75 of the RTN4IP1 protein (p.Ile75Thr). In summary, the available evidence is currently insufficient to determine the role of this variant in disease. Therefore, it has been classified as a Variant of Uncertain Significance. Advanced modeling of protein sequence and biophysical properties (such as structural, functional, and spatial information, amino acid conservation, physicochemical variation, residue mobility, and thermodynamic stability) performed at Invitae indicates that this missense variant is expected to disrupt RTN4IP1 protein function. ClinVar contains an entry for this variant (Variation ID: 1490574). This variant has not been reported in the literature in individuals affected with RTN4IP1-related conditions. This variant is not present in population databases (gnomAD no frequency).

NM_032730.5(RTN4IP1):c.224T>C (p.Ile75Thr)

Gene: RTN4IP1 (reticulon 4 interacting protein 1; minus strand). Cytogenetic location: 6q21.
Variant type: single nucleotide variant.
Coding change: c.224T>C on transcript NM_032730.5 (MANE Select); coding-DNA position 224, T replaced by C.
Protein change: p.Ile75Thr; replaces isoleucine 75 with threonine.
Molecular consequence: missense variant. On other transcripts: intron variant (1).
Genome position (GRCh38, 1-based): chr6:106,628,798, A>G on the plus strand (T>C on the coding strand, the complement: RTN4IP1 is on the minus strand). VCF-style: chr6-106628798-A-G. GRCh37 (hg19) VCF-style: chr6-107076673-A-G.
Other names: c.-27+1529T>C (NM_001318746.1); short protein forms I75T.
Identifiers: ClinVar variation 1490574 (VCV001490574.8), dbSNP rs1776725953, ClinGen allele CA365168451.